The following is an entry in ClinVar:

NM_016203.4(PRKAG2):c.-30G>A

Gene: PRKAG2 (protein kinase AMP-activated non-catalytic subunit gamma 2; minus strand). Cytogenetic location: 7q36.1.
Variant type: single nucleotide variant.
Coding change: c.-30G>A on transcript NM_016203.4 (MANE Select); 30 bases upstream of the start codon, G replaced by A.
Molecular consequence: 5 prime UTR variant.
Genome position (GRCh38, 1-based): chr7:151,876,650, C>T on the plus strand (G>A on the coding strand, the complement: PRKAG2 is on the minus strand). VCF-style: chr7-151876650-C-T. GRCh37 (hg19) VCF-style: chr7-151573735-C-T.
Identifiers: ClinVar variation 378425 (VCV000378425.1), dbSNP rs751906842, ClinGen allele CA056706.

ClinVar aggregate classification (germline): Benign (1 of 4 stars; one submission).

Allele frequency attached by ClinVar (database versions not stated): gnomAD exomes below 0.00001 and 0.00001; ExAC 0.00001; gnomAD 0.00004; TOPMed 0.00005.
gnomAD v4.1: 12 of 1,596,714 alleles (0.00075%); highest among the groups gnomAD compares: African/African-American, 0.015%; no homozygotes.

Submission:

GeneDx
Classification: Benign. Last evaluated: 2015-09-01. Review status: criteria provided, single submitter. Criteria: GeneDx Variant Classification (06012015). Collection method: clinical testing. Allele origin: germline. Affected: yes.
Comment: This variant is considered likely benign or benign based on one or more of the following criteria: it is a conservative change, it occurs at a poorly conserved position in the protein, it is predicted to be benign by multiple in silico algorithms, and/or has population frequency not consistent with disease.